The following is an entry in ClinVar:

ClinVar aggregate classification (germline): Benign/Likely benign. Review status: criteria provided, multiple submitters, no conflicts (2 of 4 stars). 10 submissions from 10 submitters: Benign (5); Likely benign (3). 2 of the submissions do not count toward it. Last evaluated 2026-08-01.

Conditions:
Spinocerebellar ataxia type 35. Identifiers: Orphanet 276193, MedGen C3888031, MONDO:0013485, OMIM 613908.
Vascular parkinsonism. Identifiers: MedGen C0393568, MONDO:0956980.
Parkinson disease (PD). Identifiers: MedGen C0030567, MeSH D010300, MONDO:0005180.
Parkinsonian disorder. Also called: Parkinsonism. Identifiers: MedGen C0242422, MONDO:0021095, HP:0001300.

Allele frequency attached by ClinVar (database versions not stated): ESP Exome Variant Server 0.01438; gnomAD exomes 0.01439 and 0.01827; ExAC 0.02833; 1000 Genomes Project 0.00679; 1000 Genomes Project 30x 0.00703; TOPMed 0.01193; gnomAD 0.01406 and 0.01429.
gnomAD v4.1: 28,323 of 1,599,648 alleles (1.8%); highest among the groups gnomAD compares: Non-Finnish European, 2%; 301 homozygotes.

Submissions (10):

CeGaT Center for Human Genetics Tuebingen
Classification: Benign. Last evaluated: 2026-08-01. Review status: criteria provided, single submitter. Criteria: CeGaT Center For Human Genetics Tuebingen Variant Classification Criteria Version 2. Collection method: clinical testing. Allele origin: germline. Affected: yes. Observed: 52 variant alleles.
Comment: TGM6: BP4, BS1, BS2

Labcorp Genetics (formerly Invitae), Labcorp
Classification: Benign. Last evaluated: 2026-01-19. Review status: criteria provided, single submitter. Criteria: Invitae Variant Classification Sherloc (09022015). Collection method: clinical testing. Allele origin: germline.

The Egyptian Network for Neurodegenerative Diseases (ENND), The American University in Cairo
Classification: Likely benign for Vascular parkinsonism; Parkinsonian disorder; Parkinson disease. Last evaluated: 2024-10-01. Review status: criteria provided, single submitter. Criteria: ACMG Guidelines, 2015. Collection method: research. Allele origin: germline. Affected: yes.
Comment: This variant (MAF 0.00678914/0.0161 in 1000Genomes/GnomAD) is of CADD score 22.7. The presence of different rare TGM6 variants in PD patients such as nearby p.V391M which is reported multiple times in PD cases (also Likely benign) could hint that such TGM6 rare variants could contribute to parkinsonism risk, not cause disease through monogenic effect. This variant, like p.V391M, doesn't fall within a characterized domain.

Athena Diagnostics
Classification: Benign. Last evaluated: 2023-12-05. Review status: criteria provided, single submitter. Criteria: Athena Diagnostics Criteria. Collection method: clinical testing. Allele origin: unknown.

Mayo Clinic Laboratories, Mayo Clinic
Classification: Benign. Last evaluated: 2023-07-06. Review status: criteria provided, single submitter. Criteria: ACMG Guidelines, 2015. Collection method: clinical testing. Allele origin: germline. Observed: 16 variant alleles.
Comment: BA1, BS2, BP4

GeneDx
Classification: Likely benign. Last evaluated: 2021-05-06. Review status: criteria provided, single submitter. Criteria: GeneDx Variant Classification Process June 2021. Collection method: clinical testing. Allele origin: germline. Affected: yes.
Comment: This variant is associated with the following publications: (PMID: 28934387)

Illumina Laboratory Services, Illumina
Classification: Benign for Spinocerebellar ataxia type 35. Last evaluated: 2018-01-13. Review status: criteria provided, single submitter. Criteria: ICSL Variant Classification Criteria 13 December 2019. Collection method: clinical testing. Allele origin: germline.
Comment: This variant was observed in the ICSL laboratory as part of a predisposition screen in an ostensibly healthy population. It had not been previously curated by ICSL or reported in the Human Gene Mutation Database (HGMD: prior to June 1st, 2018), and was therefore a candidate for classification through an automated scoring system. Utilizing variant allele frequency, disease prevalence and penetrance estimates, and inheritance mode, an automated score was calculated to assess if this variant is too frequent to cause the disease. Based on the score and internal cut-off values, a variant classified as benign is not then subjected to further curation. The score for this variant resulted in a classification of benign for this disease.

Breakthrough Genomics
Classification: Likely benign. Review status: criteria provided, single submitter. Criteria: ACMG Guidelines, 2015. Collection method: not provided. Allele origin: germline. Inheritance: Autosomal dominant inheritance. Affected: yes.

Clinical Genetics DNA and cytogenetics Diagnostics Lab, Erasmus MC, Erasmus Medical Center
Classification: Benign. Review status: no assertion criteria provided. Collection method: clinical testing. Allele origin: germline. Affected: yes. Study: VKGL Data-share Consensus. Not counted in ClinVar's aggregate classification.

Diagnostic Laboratory, Department of Genetics, University Medical Center Groningen
Classification: Benign. Review status: no assertion criteria provided. Collection method: clinical testing. Allele origin: germline. Affected: yes. Study: VKGL Data-share Consensus. Not counted in ClinVar's aggregate classification.

Literature cited by the submitters: PubMed 33160304 (cited by Athena Diagnostics); PubMed 22554020 (cited by Athena Diagnostics); PubMed 30229425 (cited by Athena Diagnostics); PubMed 28934387 (cited by Athena Diagnostics); PubMed 22162184 (cited by Athena Diagnostics); PubMed 22287014 (cited by Athena Diagnostics).

NM_198994.3(TGM6):c.1342C>T (p.Arg448Trp)

Gene: TGM6 (transglutaminase 6; plus strand). Cytogenetic location: 20p13.
Variant type: single nucleotide variant.
Coding change: c.1342C>T on transcript NM_198994.3 (MANE Select); coding-DNA position 1342, C replaced by T.
Protein change: p.Arg448Trp; replaces arginine 448 with tryptophan.
Molecular consequence: missense variant.
Genome position (GRCh38, 1-based): chr20:2,417,237, C>T. VCF-style: chr20-2417237-C-T. GRCh37 (hg19) VCF-style: chr20-2397883-C-T.
Other names: p.Arg448Trp; c.1342C>T, p.Arg448Trp (NM_001254734.2); short protein forms R448W.
Identifiers: ClinVar variation 337926 (VCV000337926.47), dbSNP rs147979536, ClinGen allele CA9732076.
Genomic context (GRCh38, chr20:2,417,237, plus strand): 5'-GTAAATTAAAGGAGCAAGGGGGTGCCTGCCGCTGACGTTGTGTGATGCCCTGCAGGGTCC[C>T]GGAAAGAGAGGCAGGTGTACAGCAAGGCGGTGAACAGGCTGTTCGGCGTGGAAGCCTCTG-3'
Protein context (NP_945345.2, residues 438-458): TDLYKYPEGS[Arg448Trp]KERQVYSKAV